The following is an entry in ClinVar:

ClinVar aggregate classification (germline): Uncertain significance. Review status: criteria provided, multiple submitters, no conflicts (2 of 4 stars). 4 submissions from 4 submitters: Uncertain significance (3). 1 of the submissions does not count toward it. Last evaluated 2025-07-08.

Conditions:
CFTR-related disorder (CFTR-RD). Also called: CFTR-related disorders; CFTR-related condition. Identifiers: MedGen C5924204, MONDO:7770004.
Cystic fibrosis (CF). Also called: MUCOVISCIDOSIS. Identifiers: Orphanet 586, MedGen C0010674, MONDO:0009061, OMIM 219700. Disease mechanism: loss of function.

gnomAD v4.1: 3 of 1,613,152 alleles (0.00019%); highest among the groups gnomAD compares: East Asian, 0.0022%; no homozygotes.

Submissions (4):

Ambry Genetics
Classification: Uncertain significance for Cystic fibrosis. Last evaluated: 2025-07-08. Review status: criteria provided, single submitter. Criteria: Ambry Variant Classification Scheme 2023. Collection method: clinical testing. Allele origin: germline.
Comment: The p.P1170S variant (also known as c.3508C>T), located in coding exon 22 of the CFTR gene, results from a C to T substitution at nucleotide position 3508. The proline at codon 1170 is replaced by serine, an amino acid with similar properties. This amino acid position is well conserved in available vertebrate species. In addition, the in silico prediction for this alteration is inconclusive. Based on the available evidence, the clinical significance of this variant remains unclear.

GeneDx
Classification: Uncertain significance. Last evaluated: 2024-08-20. Review status: criteria provided, single submitter. Criteria: GeneDx Variant Classification Process June 2021. Collection method: clinical testing. Allele origin: germline. Affected: yes.
Comment: Not observed at significant frequency in large population cohorts (gnomAD); In silico analysis supports that this missense variant has a deleterious effect on protein structure/function; Has not been previously published as pathogenic or benign to our knowledge

Labcorp Genetics (formerly Invitae), Labcorp
Classification: Uncertain significance for Cystic fibrosis. Last evaluated: 2022-09-20. Review status: criteria provided, single submitter. Criteria: Invitae Variant Classification Sherloc (09022015). Collection method: clinical testing. Allele origin: germline.
Comment: This sequence change replaces proline, which is neutral and non-polar, with serine, which is neutral and polar, at codon 1170 of the CFTR protein (p.Pro1170Ser). This variant is not present in population databases (gnomAD no frequency). This variant has not been reported in the literature in individuals affected with CFTR-related conditions. ClinVar contains an entry for this variant (Variation ID: 1003660). Algorithms developed to predict the effect of missense changes on protein structure and function (SIFT, PolyPhen-2, Align-GVGD) all suggest that this variant is likely to be tolerated. In summary, the available evidence is currently insufficient to determine the role of this variant in disease. Therefore, it has been classified as a Variant of Uncertain Significance.

Natera, Inc.
Classification: Uncertain significance for CFTR-related disorders. Last evaluated: 2018-11-22. Review status: no assertion criteria provided. Collection method: clinical testing. Allele origin: germline. Not counted in ClinVar's aggregate classification.

NM_000492.4(CFTR):c.3508C>T (p.Pro1170Ser)

Genes: CFTR (CF transmembrane conductance regulator; plus strand), CFTR-AS2 (CFTR antisense RNA 2; minus strand). Cytogenetic location: 7q31.2.
Variant type: single nucleotide variant.
Coding change: c.3508C>T on transcript NM_000492.4 (MANE Select); coding-DNA position 3508, C replaced by T.
Protein change: p.Pro1170Ser; replaces proline 1170 with serine.
Molecular consequence: missense variant.
Genome position (GRCh38, 1-based): chr7:117,627,561, C>T. VCF-style: chr7-117627561-C-T. GRCh37 (hg19) VCF-style: chr7-117267615-C-T.
Other names: c.3508C>T (NM_000492.3); short protein forms P1170S.
Identifiers: ClinVar variation 1003660 (VCV001003660.5), dbSNP rs1792670534, ClinGen allele CA368996169.